The following is an entry in ClinVar:

ClinVar aggregate classification (germline): Likely pathogenic (1 of 4 stars; one submission).

Conditions:
LAMA2-related muscular dystrophy (LAMA2-RD). Also called: Laminin alpha 2-related dystrophy. Identifiers: MedGen C5679788, MONDO:0100228.

Submission:

Myriad Genetics, Inc.
Classification: Likely pathogenic for LAMA2-related muscular dystrophy. Last evaluated: 2020-01-27. Review status: criteria provided, single submitter. Criteria: Myriad Autosomal Dominant, Autosomal Recessive and X-Linked Classification Criteria (2023). Collection method: clinical testing. Allele origin: unknown.
Comment: NM_000426.3(LAMA2):c.4378A>T(K1460*) is expected to be pathogenic in the context of LAMA2-related muscular dystrophy. This variant is predicted to lead to an abnormal or absent protein product due to the creation of a premature termination codon in LAMA2, a gene where loss-of-function variants are known to be pathogenic. Please note: this variant was assessed in the context of healthy population screening.

NM_000426.4(LAMA2):c.4378A>T (p.Lys1460Ter)

Gene: LAMA2 (laminin subunit alpha 2; plus strand). Cytogenetic location: 6q22.33.
Variant type: single nucleotide variant.
Coding change: c.4378A>T on transcript NM_000426.4 (MANE Select); coding-DNA position 4378, A replaced by T.
Protein change: p.Lys1460Ter; replaces lysine 1460 with a stop codon.
Molecular consequence: nonsense.
Genome position (GRCh38, 1-based): chr6:129,342,409, A>T. VCF-style: chr6-129342409-A-T. GRCh37 (hg19) VCF-style: chr6-129663554-A-T.
Other names: c.4378A>T, p.Lys1460Ter (NM_001079823.2); short protein forms K1460*.
Identifiers: ClinVar variation 983924 (VCV000983924.4), dbSNP rs1776319116, ClinGen allele CA365615347.